The following is an entry in ClinVar:

NM_024408.4(NOTCH2):c.4688G>T (p.Arg1563Leu)

Gene: NOTCH2 (notch receptor 2; minus strand). Cytogenetic location: 1p12.
Variant type: single nucleotide variant.
Coding change: c.4688G>T on transcript NM_024408.4 (MANE Select); coding-DNA position 4688, G replaced by T.
Protein change: p.Arg1563Leu; replaces arginine 1563 with leucine.
Molecular consequence: missense variant.
Genome position (GRCh38, 1-based): chr1:119,923,808, C>A on the plus strand (G>T on the coding strand, the complement: NOTCH2 is on the minus strand). VCF-style: chr1-119923808-C-A. GRCh37 (hg19) VCF-style: chr1-120466431-C-A.
Other names: short protein forms R1563L.
Identifiers: ClinVar variation 1721832 (VCV001721832.6), dbSNP rs767706572, ClinGen allele CA30318597.

ClinVar aggregate classification (germline): Uncertain significance (1 of 4 stars; one submission).

Conditions:
Hajdu-Cheney syndrome (HJCYS). Also called: ACROOSTEOLYSIS WITH OSTEOPOROSIS AND CHANGES IN SKULL AND MANDIBLE; SERPENTINE FIBULA-POLYCYSTIC KIDNEY SYNDROME; Acroosteolysis dominant type. Identifiers: Orphanet 955, MedGen C0917715, MONDO:0007057, OMIM 102500.

gnomAD v4.1: 3 of 1,614,032 alleles (0.00019%); highest among the groups gnomAD compares: African/African-American, 0.0013%; no homozygotes.

Submission:

Labcorp Genetics (formerly Invitae), Labcorp
Classification: Uncertain significance for Hajdu-Cheney syndrome. Last evaluated: 2022-10-19. Review status: criteria provided, single submitter. Criteria: Invitae Variant Classification Sherloc (09022015). Collection method: clinical testing. Allele origin: germline.
Comment: This sequence change replaces arginine, which is basic and polar, with leucine, which is neutral and non-polar, at codon 1563 of the NOTCH2 protein (p.Arg1563Leu). In summary, the available evidence is currently insufficient to determine the role of this variant in disease. Therefore, it has been classified as a Variant of Uncertain Significance. Advanced modeling of protein sequence and biophysical properties (such as structural, functional, and spatial information, amino acid conservation, physicochemical variation, residue mobility, and thermodynamic stability) performed at Invitae indicates that this missense variant is not expected to disrupt NOTCH2 protein function. This variant has not been reported in the literature in individuals affected with NOTCH2-related conditions. This variant is not present in population databases (gnomAD no frequency).